The following is an entry in ClinVar:

ClinVar aggregate classification (germline): Uncertain significance. Review status: criteria provided, multiple submitters, no conflicts (2 of 4 stars). 2 submissions from 2 submitters: Uncertain significance (2). Last evaluated 2026-07-07.

Conditions:
EGFR-related lung cancer (EGFR). Identifiers: MedGen CN130014.
Hereditary cancer-predisposing syndrome. Also called: Hereditary neoplastic syndrome; Neoplastic Syndromes, Hereditary; Tumor predisposition; Hereditary Cancer Syndrome. Identifiers: Orphanet 140162, MedGen C0027672, MeSH D009386, MONDO:0015356.

gnomAD v4.1: 1 of 1,613,816 alleles (0.000062%); no homozygotes.

Submissions (2):

Ambry Genetics
Classification: Uncertain significance for Hereditary cancer-predisposing syndrome. Last evaluated: 2026-07-07. Review status: criteria provided, single submitter. Criteria: Ambry Variant Classification Scheme 2023. Collection method: clinical testing. Allele origin: germline.
Comment: The p.T241R variant (also known as c.722C>G), located in coding exon 6 of the EGFR gene, results from a C to G substitution at nucleotide position 722. The threonine at codon 241 is replaced by arginine, an amino acid with similar properties. This amino acid position is conserved. In addition, the in silico prediction for this alteration is inconclusive. Based on the available evidence, the clinical significance of this variant remains unclear.

Labcorp Genetics (formerly Invitae), Labcorp
Classification: Uncertain significance for EGFR-related lung cancer. Last evaluated: 2022-06-16. Review status: criteria provided, single submitter. Criteria: Invitae Variant Classification Sherloc (09022015). Collection method: clinical testing. Allele origin: germline.
Comment: This sequence change replaces threonine, which is neutral and polar, with arginine, which is basic and polar, at codon 241 of the EGFR protein (p.Thr241Arg). This variant is not present in population databases (gnomAD no frequency). This variant has not been reported in the literature in individuals affected with EGFR-related conditions. Algorithms developed to predict the effect of missense changes on protein structure and function (SIFT, PolyPhen-2, Align-GVGD) all suggest that this variant is likely to be disruptive. In summary, the available evidence is currently insufficient to determine the role of this variant in disease. Therefore, it has been classified as a Variant of Uncertain Significance.

NM_005228.5(EGFR):c.722C>G (p.Thr241Arg)

Gene: EGFR (epidermal growth factor receptor; plus strand). Cytogenetic location: 7p11.2.
Variant type: single nucleotide variant.
Coding change: c.722C>G on transcript NM_005228.5 (MANE Select); coding-DNA position 722, C replaced by G.
Protein change: p.Thr241Arg; replaces threonine 241 with arginine.
Molecular consequence: missense variant. On other transcripts: intron variant (1).
Genome position (GRCh38, 1-based): chr7:55,152,639, C>G. VCF-style: chr7-55152639-C-G. GRCh37 (hg19) VCF-style: chr7-55220332-C-G.
Other names: c.722C>G, p.Thr241Arg (NM_201282.2, NM_201283.2, NM_201284.2 and 1 more transcripts); c.89-3191C>G (NM_001346941.2); c.587C>G, p.Thr196Arg (NM_001346897.2, NM_001346899.2); c.563C>G, p.Thr188Arg (NM_001346900.2); short protein forms T196R, T241R, T188R.
Identifiers: ClinVar variation 2006486 (VCV002006486.2), dbSNP rs370744986, ClinGen allele CA367577523.